The following is an entry in ClinVar:

NM_012472.6(DNAAF11):c.1109C>G (p.Thr370Arg)

Gene: DNAAF11 (dynein axonemal assembly factor 11; minus strand). Cytogenetic location: 8q24.22.
Variant type: single nucleotide variant.
Coding change: c.1109C>G on transcript NM_012472.6 (MANE Select); coding-DNA position 1109, C replaced by G.
Protein change: p.Thr370Arg; replaces threonine 370 with arginine.
Molecular consequence: missense variant. On other transcripts: non-coding transcript variant (10).
Genome position (GRCh38, 1-based): chr8:132,610,197, G>C on the plus strand (C>G on the coding strand, the complement: DNAAF11 is on the minus strand). VCF-style: chr8-132610197-G-C. GRCh37 (hg19) VCF-style: chr8-133622443-G-C.
Other names: c.1049C>G, p.Thr350Arg (NM_001321961.2); c.863C>G, p.Thr288Arg (NM_001321962.2); c.749C>G, p.Thr250Arg (NM_001321963.2, NM_001321964.2, NM_001321965.2); c.689C>G, p.Thr230Arg (NM_001321966.2); short protein forms T370R, T288R, T350R, T250R, T230R.
Identifiers: ClinVar variation 361902 (VCV000361902.14), dbSNP rs148424037, ClinGen allele CA4881169.

ClinVar aggregate classification (germline): Uncertain significance. Review status: criteria provided, multiple submitters, no conflicts (2 of 4 stars). 3 submissions from 3 submitters: Uncertain significance (3). Last evaluated 2024-12-23.

Conditions:
Primary ciliary dyskinesia 19. Also called: CILIARY DYSKINESIA, PRIMARY, 19, WITH OR WITHOUT SITUS INVERSUS. Identifiers: Orphanet 244, MedGen C3543826, MONDO:0013979, OMIM 614935.
Primary ciliary dyskinesia. Also called: Ciliary dyskinesia. Identifiers: Orphanet 244, MedGen C0008780, MONDO:0016575, HP:0012265.

Allele frequency attached by ClinVar (database versions not stated): ESP Exome Variant Server 0.00015; gnomAD 0.00015 and 0.00016; ExAC 0.00019; TOPMed 0.00020.
gnomAD v4.1: 554 of 1,613,834 alleles (0.034%); highest among the groups gnomAD compares: Non-Finnish European, 0.045%; 1 homozygote.

Submissions (3):

Ambry Genetics
Classification: Uncertain significance for Primary ciliary dyskinesia. Last evaluated: 2024-12-23. Review status: criteria provided, single submitter. Criteria: Ambry Variant Classification Scheme 2023. Collection method: clinical testing. Allele origin: germline.
Comment: The p.T370R variant (also known as c.1109C>G), located in coding exon 10 of the LRRC6 gene, results from a C to G substitution at nucleotide position 1109. The threonine at codon 370 is replaced by arginine, an amino acid with similar properties. This amino acid position is conserved. In addition, this alteration is predicted to be deleterious by in silico analysis. Since supporting evidence is limited at this time, the clinical significance of this alteration remains unclear.

Labcorp Genetics (formerly Invitae), Labcorp
Classification: Uncertain significance for Primary ciliary dyskinesia 19. Last evaluated: 2022-07-18. Review status: criteria provided, single submitter. Criteria: Invitae Variant Classification Sherloc (09022015). Collection method: clinical testing. Allele origin: germline.
Comment: This sequence change replaces threonine, which is neutral and polar, with arginine, which is basic and polar, at codon 370 of the LRRC6 protein (p.Thr370Arg). This variant is present in population databases (rs148424037, gnomAD 0.04%). This missense change has been observed in individual(s) with clinical features of LRRC6-related conditions (Invitae). ClinVar contains an entry for this variant (Variation ID: 361902). Algorithms developed to predict the effect of missense changes on protein structure and function are either unavailable or do not agree on the potential impact of this missense change (SIFT: "Deleterious"; PolyPhen-2: "Probably Damaging"; Align-GVGD: "Class C0"). In summary, the available evidence is currently insufficient to determine the role of this variant in disease. Therefore, it has been classified as a Variant of Uncertain Significance.

Illumina Laboratory Services, Illumina
Classification: Uncertain significance for Primary ciliary dyskinesia 19. Last evaluated: 2018-01-13. Review status: criteria provided, single submitter. Criteria: ICSL Variant Classification Criteria 13 December 2019. Collection method: clinical testing. Allele origin: germline.